The following is an entry in ClinVar:

NM_000064.4(C3):c.1650C>T (p.Ser550=)

Gene: C3 (complement C3; minus strand). Cytogenetic location: 19p13.3.
Variant type: single nucleotide variant.
Coding change: c.1650C>T on transcript NM_000064.4 (MANE Select); coding-DNA position 1650, C replaced by T.
Protein change: p.Ser550=; no amino-acid change (serine 550 retained).
Molecular consequence: synonymous variant.
Genome position (GRCh38, 1-based): chr19:6,710,675, G>A on the plus strand (C>T on the coding strand, the complement: C3 is on the minus strand). VCF-style: chr19-6710675-G-A. GRCh37 (hg19) VCF-style: chr19-6710686-G-A.
Other names: c.1650C>T (NM_000064.3).
Identifiers: ClinVar variation 1612147 (VCV001612147.35), dbSNP rs138835619, ClinGen allele CA9129387.

ClinVar aggregate classification (germline): Likely benign. Review status: criteria provided, multiple submitters, no conflicts (2 of 4 stars). 5 submissions from 5 submitters: Likely benign (4). 1 of the submissions does not count toward it. Last evaluated 2026-01-27.

Conditions:
C3-related disorder. Also called: C3-related condition.
Atypical hemolytic-uremic syndrome with C3 anomaly. Also called: AHUS, SUSCEPTIBILITY TO, 5. Identifiers: Orphanet 2134, MedGen C2752037, MONDO:0013043, OMIM 612925.
Complement component 3 deficiency. Identifiers: Orphanet 280133, MedGen C3151071, MONDO:0013417, OMIM 613779.
Age related macular degeneration 9. Identifiers: MedGen C1969651, MONDO:0012659, OMIM 611378.

Allele frequency attached by ClinVar (database versions not stated): gnomAD 0.00018 and 0.00019; TOPMed 0.00019; ESP Exome Variant Server 0.00023.
gnomAD v4.1: 574 of 1,613,230 alleles (0.036%); highest among the groups gnomAD compares: Non-Finnish European, 0.048%; no homozygotes.

Submissions (5):

Labcorp Genetics (formerly Invitae), Labcorp
Classification: Likely benign. Last evaluated: 2026-01-27. Review status: criteria provided, single submitter. Criteria: Invitae Variant Classification Sherloc (09022015). Collection method: clinical testing. Allele origin: germline.

Blueprint Genetics
Classification: Likely benign. Last evaluated: 2024-10-11. Review status: criteria provided, single submitter. Criteria: ACMG Guidelines, 2015. Collection method: clinical testing. Allele origin: germline.

CeGaT Center for Human Genetics Tuebingen
Classification: Likely benign. Last evaluated: 2023-06-01. Review status: criteria provided, single submitter. Criteria: CeGaT Center For Human Genetics Tuebingen Variant Classification Criteria Version 2. Collection method: clinical testing. Allele origin: germline. Affected: yes. Observed: 1 variant allele.
Comment: C3: BP4, BP7

Fulgent Genetics
Classification: Likely benign for Age related macular degeneration 9; Atypical hemolytic-uremic syndrome with C3 anomaly; Complement component 3 deficiency. Last evaluated: 2021-11-19. Review status: criteria provided, single submitter. Criteria: ACMG Guidelines, 2015. Collection method: clinical testing. Allele origin: unknown.

PreventionGenetics, part of Exact Sciences
Classification: Likely benign for C3-related condition. Last evaluated: 2019-06-05. Review status: no assertion criteria provided. Collection method: clinical testing. Allele origin: germline. Not counted in ClinVar's aggregate classification.
Comment: This variant is classified as likely benign based on ACMG/AMP sequence variant interpretation guidelines (Richards et al. 2015 PMID: 25741868, with internal and published modifications).